The following is an entry in ClinVar:

NM_007118.4(TRIO):c.7533G>A (p.Arg2511=)

Gene: TRIO (trio Rho guanine nucleotide exchange factor; plus strand). Cytogenetic location: 5p15.2.
Variant type: single nucleotide variant.
Coding change: c.7533G>A on transcript NM_007118.4 (MANE Select); coding-DNA position 7533, G replaced by A.
Protein change: p.Arg2511=; no amino-acid change (arginine 2511 retained).
Molecular consequence: synonymous variant.
Genome position (GRCh38, 1-based): chr5:14,488,161, G>A. VCF-style: chr5-14488161-G-A. GRCh37 (hg19) VCF-style: chr5-14488270-G-A.
Identifiers: ClinVar variation 4872644 (VCV004872644.2).
Genomic context (GRCh38, chr5:14,488,161, plus strand): 5'-CTCCCCCGCCAGCCGACCCGGCTCCTTCACCTTCCCGGGGGACAGCGACTCCCTCCAGCG[G>A]CAGACACCCCGCCACGCGGCCCCTGGCAAGGATACTGACCGCATGAGCACGTGCTCCTCG-3'
Protein context (NP_009049.2, residues 2501-2521): TFPGDSDSLQ[Arg2511=]QTPRHAAPGK

ClinVar aggregate classification (germline): Likely benign (1 of 4 stars; one submission).

gnomAD v4.1: 53 of 1,605,058 alleles (0.0033%); highest among the groups gnomAD compares: Admixed American, 0.038%; no homozygotes.

Submission:

CeGaT Center for Human Genetics Tuebingen
Classification: Likely benign. Last evaluated: 2026-06-01. Review status: criteria provided, single submitter. Criteria: CeGaT Center For Human Genetics Tuebingen Variant Classification Criteria Version 2. Collection method: clinical testing. Allele origin: germline. Affected: yes. Observed: 1 variant allele.
Comment: TRIO: BP4, BP7